The following is an entry in ClinVar:

ClinVar aggregate classification (germline): Conflicting classifications of pathogenicity. Review status: criteria provided, conflicting classifications (1 of 4 stars). 3 submissions from 3 submitters: Uncertain significance (2); Likely benign (1). Last evaluated 2024-11-11.

Conditions:
Retinitis pigmentosa 33 (RP33). Identifiers: Orphanet 791, MedGen C1835895, MONDO:0012477, OMIM 610359.

Allele frequency attached by ClinVar (database versions not stated): gnomAD exomes below 0.00001 and 0.00001; ExAC 0.00002; TOPMed 0.00002; ESP Exome Variant Server 0.00008.
gnomAD v4.1: 17 of 1,614,098 alleles (0.0011%); highest among the groups gnomAD compares: South Asian, 0.0033%; no homozygotes.

Submissions (3):

Labcorp Genetics (formerly Invitae), Labcorp
Classification: Likely benign. Last evaluated: 2024-11-11. Review status: criteria provided, single submitter. Criteria: Invitae Variant Classification Sherloc (09022015). Collection method: clinical testing. Allele origin: germline.

Neuberg Centre For Genomic Medicine, NCGM
Classification: Uncertain significance for Retinitis pigmentosa 33. Last evaluated: 2023-05-20. Review status: criteria provided, single submitter. Criteria: ACMG Guidelines, 2015. Collection method: clinical testing. Allele origin: germline. Inheritance: Autosomal recessive inheritance. Affected: yes.
Comment: The observed missense variant c.3688A>G (p.Ser1230Gly) in SNRNP200 gene has not been reported previously as a pathogenic variant nor as a benign variant, to our knowledge. The p.Ser1230Gly variant is present with an allele frequency of 0.0004% on gnomAD exomes database. This variant has been submitted to the ClinVar database as Uncertain Significance. Computational evidence (SIFT - tolerated; Polyphen - benign; MutationTaster - disease causing) predicts conflicting effect on protein structure and function for this variant. The reference amino acid at this position on SNRNP200 gene is predicted as conserved by GERP++ and PhyloP across 100 vertebrates. The amino acid Ser at position 1230 is changed to a Gly changing protein sequence and it might alter its composition and physico-chemical properties. For these reasons, this variant has been classified as a Variant of Uncertain Significance (VUS).

Blueprint Genetics
Classification: Uncertain significance. Last evaluated: 2021-04-20. Review status: criteria provided, single submitter. Criteria: ACMG Guidelines, 2015. Collection method: clinical testing. Allele origin: germline.

NM_014014.5(SNRNP200):c.3688A>G (p.Ser1230Gly)

Gene: SNRNP200 (small nuclear ribonucleoprotein U5 subunit 200; minus strand). Cytogenetic location: 2q11.2.
Variant type: single nucleotide variant.
Coding change: c.3688A>G on transcript NM_014014.5 (MANE Select); coding-DNA position 3688, A replaced by G.
Protein change: p.Ser1230Gly; replaces serine 1230 with glycine.
Molecular consequence: missense variant.
Genome position (GRCh38, 1-based): chr2:96,286,829, T>C on the plus strand (A>G on the coding strand, the complement: SNRNP200 is on the minus strand). VCF-style: chr2-96286829-T-C. GRCh37 (hg19) VCF-style: chr2-96952567-T-C.
Other names: short protein forms S1230G.
Identifiers: ClinVar variation 866658 (VCV000866658.12), dbSNP rs372772120, ClinGen allele CA1778399.